The following is an entry in ClinVar:

NM_000489.6(ATRX):c.7075A>G (p.Lys2359Glu)

Gene: ATRX (ATRX chromatin remodeler; minus strand). Cytogenetic location: Xq21.1.
Variant type: single nucleotide variant.
Coding change: c.7075A>G on transcript NM_000489.6 (MANE Select); coding-DNA position 7075, A replaced by G.
Protein change: p.Lys2359Glu; replaces lysine 2359 with glutamic acid.
Molecular consequence: missense variant.
Genome position (GRCh38, 1-based): chrX:77,520,913, T>C on the plus strand (A>G on the coding strand, the complement: ATRX is on the minus strand). VCF-style: chrX-77520913-T-C. GRCh37 (hg19) VCF-style: chrX-76776391-T-C.
Other names: c.6961A>G, p.Lys2321Glu (NM_138270.5); short protein forms K2321E, K2359E.
Identifiers: ClinVar variation 4823295 (VCV004823295.4).

ClinVar aggregate classification (germline): Uncertain significance (1 of 4 stars; one submission).

Submission:

CeGaT Center for Human Genetics Tuebingen
Classification: Uncertain significance. Last evaluated: 2026-02-01. Review status: criteria provided, single submitter. Criteria: CeGaT Center For Human Genetics Tuebingen Variant Classification Criteria Version 2. Collection method: clinical testing. Allele origin: germline. Affected: yes. Observed: 1 variant allele.
Comment: ATRX: PM2, PP2